The following is an entry in ClinVar:

ClinVar aggregate classification (germline): Uncertain significance (1 of 4 stars; one submission).

Allele frequency attached by ClinVar (database versions not stated): gnomAD exomes below 0.00001; gnomAD 0.00001.
gnomAD v4.1: 3 of 1,605,888 alleles (0.00019%); highest among the groups gnomAD compares: African/African-American, 0.004%; no homozygotes.

Submission:

Labcorp Genetics (formerly Invitae), Labcorp
Classification: Uncertain significance. Last evaluated: 2024-08-31. Review status: criteria provided, single submitter. Criteria: Invitae Variant Classification Sherloc (09022015). Collection method: clinical testing. Allele origin: germline.
Comment: This sequence change falls in intron 14 of the TNNT3 gene. It does not directly change the encoded amino acid sequence of the TNNT3 protein. It affects a nucleotide within the consensus splice site. This variant is present in population databases (no rsID available, gnomAD 0.004%). This variant has not been reported in the literature in individuals affected with TNNT3-related conditions. ClinVar contains an entry for this variant (Variation ID: 1420848). Variants that disrupt the consensus splice site are a relatively common cause of aberrant splicing (PMID: 17576681, 9536098). Algorithms developed to predict the effect of sequence changes on RNA splicing suggest that this variant may disrupt the consensus splice site. In summary, the available evidence is currently insufficient to determine the role of this variant in disease. Therefore, it has been classified as a Variant of Uncertain Significance.

Literature cited by the submitters: PubMed 17576681; PubMed 9536098.

NM_006757.4(TNNT3):c.682-3C>T

Gene: TNNT3 (troponin T3, fast skeletal type; plus strand). Cytogenetic location: 11p15.5.
Variant type: single nucleotide variant.
Coding change: c.682-3C>T on transcript NM_006757.4 (MANE Select); 3 bases into the intron before coding-DNA position 682, C replaced by T.
Molecular consequence: intron variant.
Genome position (GRCh38, 1-based): chr11:1,936,960, C>T. VCF-style: chr11-1936960-C-T. GRCh37 (hg19) VCF-style: chr11-1958190-C-T.
Other names: c.658-3C>T (NM_001297646.2, NM_001042782.3, NM_001367845.1 and 1 more transcripts); c.715-3C>T (NM_001367846.1); c.691-3C>T (NM_001363561.2, NM_001367847.1); c.676-3C>T (NM_001042781.3, NM_001367842.1); c.679-3C>T (NM_001367848.1); c.698+706C>T (NM_001042780.3); c.625-3C>T (NM_001367850.1); c.478-3C>T (NM_001367851.1, NM_001367852.1); and 2 more.
Identifiers: ClinVar variation 1420848 (VCV001420848.6), dbSNP rs111743542, ClinGen allele CA597079361.
Genomic context (GRCh38, chr11:1,936,960, plus strand): 5'-TCACCCAGTACACGCAGGCCTGGCCCTCGGGTCGTCGCAGTGAGTCACTCATGTTGTTCA[C>T]AGATCACCACGCTCAGGAGCCGCATTGACCAGGCCCAGAAGCAGTGAGTAGCCCTGCCGT-3'